The following is an entry in ClinVar:

NM_006231.4(POLE):c.177G>C (p.Lys59Asn)

Gene: POLE (DNA polymerase epsilon, catalytic subunit; minus strand). Cytogenetic location: 12q24.33.
Variant type: single nucleotide variant.
Coding change: c.177G>C on transcript NM_006231.4 (MANE Select); coding-DNA position 177, G replaced by C.
Protein change: p.Lys59Asn; replaces lysine 59 with asparagine.
Molecular consequence: missense variant.
Genome position (GRCh38, 1-based): chr12:132,681,165, C>G on the plus strand (G>C on the coding strand, the complement: POLE is on the minus strand). VCF-style: chr12-132681165-C-G. GRCh37 (hg19) VCF-style: chr12-133257751-C-G.
Other names: c.177G>C (NM_006231.2); short protein forms K59N.
Identifiers: ClinVar variation 405831 (VCV000405831.22), dbSNP rs753360358, ClinGen allele CA6894427.

ClinVar aggregate classification (germline): Conflicting classifications of pathogenicity. Review status: criteria provided, conflicting classifications (1 of 4 stars). 2 submissions from 2 submitters: Uncertain significance (1); Likely benign (1). Last evaluated 2025-10-06.

Conditions:
Hereditary cancer-predisposing syndrome. Also called: Hereditary Cancer Syndrome; Hereditary neoplastic syndrome; Neoplastic Syndromes, Hereditary; Tumor predisposition. Identifiers: Orphanet 140162, MedGen C0027672, MeSH D009386, MONDO:0015356.

Allele frequency attached by ClinVar (database versions not stated): gnomAD 0.00001; TOPMed 0.00001; gnomAD exomes 0.00002 and 0.00003; ExAC 0.00004.
gnomAD v4.1: 39 of 1,614,004 alleles (0.0024%); highest among the groups gnomAD compares: Non-Finnish European, 0.003%; no homozygotes.

Submissions (2):

Labcorp Genetics (formerly Invitae), Labcorp
Classification: Uncertain significance. Last evaluated: 2025-10-06. Review status: criteria provided, single submitter. Criteria: Invitae Variant Classification Sherloc (09022015). Collection method: clinical testing. Allele origin: germline.
Comment: This sequence change replaces lysine, which is basic and polar, with asparagine, which is neutral and polar, at codon 59 of the POLE protein (p.Lys59Asn). This variant is present in population databases (rs753360358, gnomAD 0.006%). This variant has not been reported in the literature in individuals affected with POLE-related conditions. ClinVar contains an entry for this variant (Variation ID: 405831). Invitae Evidence Modeling of protein sequence and biophysical properties (such as structural, functional, and spatial information, amino acid conservation, physicochemical variation, residue mobility, and thermodynamic stability) indicates that this missense variant is not expected to disrupt POLE protein function with a negative predictive value of 80%. RNA analysis performed to evaluate the impact of this missense change on mRNA splicing indicates it does not significantly alter splicing (internal data). In summary, the available evidence is currently insufficient to determine the role of this variant in disease. Therefore, it has been classified as a Variant of Uncertain Significance.

Ambry Genetics
Classification: Likely benign for Hereditary cancer-predisposing syndrome. Last evaluated: 2024-10-17. Review status: criteria provided, single submitter. Criteria: Ambry Variant Classification Scheme 2023. Collection method: clinical testing. Allele origin: germline.